The following is an entry in ClinVar:

ClinVar aggregate classification (germline): Benign (3 of 4 stars; one submission).

Conditions:
Breast-ovarian cancer, familial, susceptibility to, 1 (BROVCA1). Also called: BRCA1 Hereditary Breast and Ovarian Cancer; OVARIAN CANCER, SUSCEPTIBILITY TO. Identifiers: Orphanet 145, MedGen C2676676, MONDO:0011450, OMIM 604370. Disease mechanism: loss of function.

Submission:

Evidence-based Network for the Interpretation of Germline Mutant Alleles (ENIGMA)
Classification: Benign for Breast-ovarian cancer, familial, susceptibility to, 1. Last evaluated: 2016-09-28. Review status: reviewed by expert panel. Criteria: ENIGMA BRCA1/2 Classification Criteria (2015). Collection method: curation. Allele origin: germline.
Comment: Class 1 not pathogenic based on frequency >1% in an outbred sampleset. Frequency 0.0378 (European), 0.0187 (Admixed American/Latino), derived from 1000 genomes (2013-05-02).

NM_007294.4(BRCA1):c.442-810_442-809insAAC

Gene: BRCA1 (BRCA1 DNA repair associated; minus strand). Cytogenetic location: 17q21.31.
Variant type: Insertion.
Coding change: c.442-810_442-809insAAC on transcript NM_007294.4 (MANE Select); 810 bases into the intron before coding-DNA position 442 through 809 bases into the intron before coding-DNA position 442, AAC inserted.
Molecular consequence: intron variant.
Genome position: GRCh38 VCF-style: chr17-43100689-A-ATGT. GRCh37 (hg19) VCF-style: chr17-41252706-A-ATGT.
Other names: c.301-810_301-809insAAC (NM_001408458.1, NM_001407922.1, NM_001408469.1 and 61 more transcripts); c.-218-5830_-218-5829insAAC (NM_001407967.1, NM_001407966.1); c.61-810_61-809insAAC (NM_001407959.1, NM_001408512.1, NM_001408510.1 and 3 more transcripts); c.301-813_301-812insAAC (NM_001407931.1, NM_001407747.1, NM_001408470.1 and 35 more transcripts); c.61-813_61-812insAAC (NM_001407962.1); c.232-810_232-809insAAC (NM_001407885.1, NM_001407886.1, NM_001407881.1 and 37 more transcripts); c.442-813_442-812insAAC (NM_001407686.1, NM_001408397.1, NM_001407632.1 and 65 more transcripts); c.442-810_442-809insAAC (NM_001408436.1, NM_001407665.1, NM_001407980.1 and 96 more transcripts); and 5 more.
Identifiers: ClinVar variation 264776 (VCV000264776.2), dbSNP rs574913562, ClinGen allele CA10588233.